The following is an entry in ClinVar:

NM_001099922.3(ALG13):c.403C>G (p.Gln135Glu)

Gene: ALG13 (ALG13 UDP-N-acetylglucosaminyltransferase subunit; plus strand). Cytogenetic location: Xq23.
Variant type: single nucleotide variant.
Coding change: c.403C>G on transcript NM_001099922.3 (MANE Select); coding-DNA position 403, C replaced by G.
Protein change: p.Gln135Glu; replaces glutamine 135 with glutamic acid.
Molecular consequence: missense variant. On other transcripts: non-coding transcript variant (1).
Genome position (GRCh38, 1-based): chrX:111,708,046, C>G. VCF-style: chrX-111708046-C-G. GRCh37 (hg19) VCF-style: chrX-110951274-C-G.
Other names: c.91C>G, p.Gln31Glu (NM_001257230.2, NM_001257234.2, NM_001257237.2 and 1 more transcripts); c.169C>G, p.Gln57Glu (NM_001257231.2); c.403C>G, p.Gln135Glu (NM_001324292.2); short protein forms Q31E, Q135E, Q57E.
Identifiers: ClinVar variation 652414 (VCV000652414.9), dbSNP rs1602635058, ClinGen allele CA414249233.
Genomic context (GRCh38, chrX:111,708,046, plus strand): 5'-CCTATTCCTAGGAGGATTGGCTCTTCCTCTTCTTTTCACAGGGTCCTGACTTGTCCTGGG[C>G]AAGCCAAGTCCATTGCTTCTGCTCCTGGGAAGTGCCAAGATTCTGCAGCGCTGACTTCAA-3'
Protein context (NP_001093392.1, residues 125-145): CTCRVLTCPG[Gln135Glu]AKSIASAPGK

ClinVar aggregate classification (germline): Uncertain significance (1 of 4 stars; one submission).

Conditions:
Developmental and epileptic encephalopathy, 36 (DEE36). Also called: Congenital disorder of glycosylation, type Is; ALG13-CDG; Epileptic encephalopathy, early infantile, 36. Identifiers: Orphanet 324422, MedGen C4317295, MONDO:0010472, OMIM 300884.

Submission:

Labcorp Genetics (formerly Invitae), Labcorp
Classification: Uncertain significance for Developmental and epileptic encephalopathy, 36. Last evaluated: 2018-12-08. Review status: criteria provided, single submitter. Criteria: Invitae Variant Classification Sherloc (09022015). Collection method: clinical testing. Allele origin: germline.
Comment: This sequence change replaces glutamine with glutamic acid at codon 135 of the ALG13 protein (p.Gln135Glu). The glutamine residue is weakly conserved and there is a small physicochemical difference between glutamine and glutamic acid. This variant is not present in population databases (ExAC no frequency). This variant has not been reported in the literature in individuals with ALG13-related conditions. Algorithms developed to predict the effect of missense changes on protein structure and function output the following: SIFT: "Tolerated"; PolyPhen-2: "Benign"; Align-GVGD: "Class C0". The glutamic acid amino acid residue is found in multiple mammalian species, suggesting that this missense change does not adversely affect protein function. These predictions have not been confirmed by published functional studies and their clinical significance is uncertain. In summary, the available evidence is currently insufficient to determine the role of this variant in disease. Therefore, it has been classified as a Variant of Uncertain Significance.